The following is an entry in ClinVar:

ClinVar aggregate classification (germline): Uncertain significance (1 of 4 stars; one submission).

Conditions:
Neurofibromatosis, type 1 (NF1). Also called: NEUROFIBROMATOSIS, TYPE I, SOMATIC; Peripheral type neurofibromatosis; Neurofibromatosis, type I; VON RECKLINGHAUSEN DISEASE. Identifiers: Orphanet 636, MedGen C0027831, MONDO:0018975, OMIM 162200. Disease mechanism: loss of function.

Submission:

Labcorp Genetics (formerly Invitae), Labcorp
Classification: Uncertain significance for Neurofibromatosis, type 1. Last evaluated: 2021-07-18. Review status: criteria provided, single submitter. Criteria: Invitae Variant Classification Sherloc (09022015). Collection method: clinical testing. Allele origin: germline.
Comment: Advanced modeling of protein sequence and biophysical properties (such as structural, functional, and spatial information, amino acid conservation, physicochemical variation, residue mobility, and thermodynamic stability) performed at Invitae indicates that this missense variant is expected to disrupt NF1 protein function. In summary, the available evidence is currently insufficient to determine the role of this variant in disease. Therefore, it has been classified as a Variant of Uncertain Significance. This variant has not been reported in the literature in individuals affected with NF1-related conditions. This variant is not present in population databases (ExAC no frequency). This sequence change replaces isoleucine with threonine at codon 1658 of the NF1 protein (p.Ile1658Thr). The isoleucine residue is moderately conserved and there is a moderate physicochemical difference between isoleucine and threonine.

NM_001042492.3(NF1):c.5036T>C (p.Ile1679Thr)

Gene: NF1 (neurofibromin 1; plus strand). Cytogenetic location: 17q11.2.
Variant type: single nucleotide variant.
Coding change: c.5036T>C on transcript NM_001042492.3 (MANE Select); coding-DNA position 5036, T replaced by C.
Protein change: p.Ile1679Thr; replaces isoleucine 1679 with threonine.
Molecular consequence: missense variant.
Genome position (GRCh38, 1-based): chr17:31,326,020, T>C. VCF-style: chr17-31326020-T-C. GRCh37 (hg19) VCF-style: chr17-29653038-T-C.
Other names: c.4973T>C, p.Ile1658Thr (NM_000267.4); short protein forms I1679T, I1658T.
Identifiers: ClinVar variation 1406263 (VCV001406263.8), dbSNP rs2151538224, ClinGen allele CA399007366.
Genomic context (GRCh38, chr17:31,326,020, plus strand): 5'-TCTCTAAGTGGTTTGTTGTTTTTCCTGGCTTTGCTTACGACAACGTCTCCGCAGTCTATA[T>C]CTATAACTGTAACTCCTGGGTCAGGGAGTACACCAAGTATCATGAGCGGCTGCTGACTGG-3'
Protein context (NP_001035957.1, residues 1669-1689): FAYDNVSAVY[Ile1679Thr]YNCNSWVREY